The following is an entry in ClinVar:

ClinVar aggregate classification (germline): Uncertain significance (1 of 4 stars; one submission).

Conditions:
Leukocyte adhesion deficiency 1 (LAD1). Also called: LEUKOCYTE ADHESION DEFICIENCY, TYPE I; LAD 1; Lymphocyte function-associated antigen 1 immunodeficiency; LFA 1 immunodeficiency. Identifiers: Orphanet 2968, Orphanet 99842, MedGen C0398738, MONDO:0007293, OMIM 116920.

gnomAD v4.1: 4 of 1,614,086 alleles (0.00025%); highest among the groups gnomAD compares: Admixed American, 0.005%; no homozygotes.

Submission:

Labcorp Genetics (formerly Invitae), Labcorp
Classification: Uncertain significance for Leukocyte adhesion deficiency 1. Last evaluated: 2022-07-12. Review status: criteria provided, single submitter. Criteria: Invitae Variant Classification Sherloc (09022015). Collection method: clinical testing. Allele origin: germline.
Comment: This sequence change replaces aspartic acid, which is acidic and polar, with tyrosine, which is neutral and polar, at codon 77 of the ITGB2 protein (p.Asp77Tyr). This variant is present in population databases (rs141799330, gnomAD 0.01%). This variant has not been reported in the literature in individuals affected with ITGB2-related conditions. ClinVar contains an entry for this variant (Variation ID: 1429937). Algorithms developed to predict the effect of missense changes on protein structure and function (SIFT, PolyPhen-2, Align-GVGD) all suggest that this variant is likely to be disruptive. In summary, the available evidence is currently insufficient to determine the role of this variant in disease. Therefore, it has been classified as a Variant of Uncertain Significance.

NM_000211.5(ITGB2):c.229G>T (p.Asp77Tyr)

Gene: ITGB2 (integrin subunit beta 2; minus strand). Cytogenetic location: 21q22.3.
Variant type: single nucleotide variant.
Coding change: c.229G>T on transcript NM_000211.5 (MANE Select); coding-DNA position 229, G replaced by T.
Protein change: p.Asp77Tyr; replaces aspartic acid 77 with tyrosine.
Molecular consequence: missense variant.
Genome position (GRCh38, 1-based): chr21:44,907,014, C>A on the plus strand (G>T on the coding strand, the complement: ITGB2 is on the minus strand). VCF-style: chr21-44907014-C-A. GRCh37 (hg19) VCF-style: chr21-46326929-C-A.
Other names: c.229G>T, p.Asp77Tyr (NM_001127491.3); c.22G>T, p.Asp8Tyr (NM_001303238.2); short protein forms D77Y, D8Y.
Identifiers: ClinVar variation 1429937 (VCV001429937.6), dbSNP rs141799330, ClinGen allele CA10063285.